The following is an entry in ClinVar:

ClinVar aggregate classification (germline): Likely benign (0 of 4 stars; one submission).

Conditions:
SPEN-related disorder. Also called: SPEN-related condition.

Allele frequency attached by ClinVar (database versions not stated): gnomAD 0.00001; gnomAD exomes 0.00001; TOPMed 0.00002; ESP Exome Variant Server 0.00008.

Submission:

PreventionGenetics, part of Exact Sciences
Classification: Likely benign for SPEN-related condition. Last evaluated: 2019-08-12. Review status: no assertion criteria provided. Collection method: clinical testing. Allele origin: germline.
Comment: This variant is classified as likely benign based on ACMG/AMP sequence variant interpretation guidelines (Richards et al. 2015 PMID: 25741868, with internal and published modifications).

NM_015001.3(SPEN):c.6657C>T (p.Ile2219=)

Gene: SPEN (spen family transcriptional repressor; plus strand). Cytogenetic location: 1p36.13.
Variant type: single nucleotide variant.
Coding change: c.6657C>T on transcript NM_015001.3 (MANE Select); coding-DNA position 6657, C replaced by T.
Protein change: p.Ile2219=; no amino-acid change (isoleucine 2219 retained).
Molecular consequence: synonymous variant.
Genome position (GRCh38, 1-based): chr1:15,932,897, C>T. VCF-style: chr1-15932897-C-T. GRCh37 (hg19) VCF-style: chr1-16259392-C-T.
Identifiers: ClinVar variation 3034844 (VCV003034844.2), dbSNP rs142341425, ClinGen allele CA18279303.